The following is an entry in ClinVar:

NM_003467.3(CXCR4):c.986_990del (p.Leu329fs)

Gene: CXCR4 (C-X-C motif chemokine receptor 4; minus strand). Cytogenetic location: 2q22.1.
Variant type: Deletion.
Coding change: c.986_990del on transcript NM_003467.3 (MANE Select); coding-DNA positions 986 to 990, 5 bases deleted (TCTCC; older notation c.986_990delTCTCC).
Protein change: p.Leu329fs; shifts the reading frame from leucine 329.
Molecular consequence: frameshift variant.
Genome position (GRCh38, 1-based): chr2:136,114,938-136,114,942, GGAGA deleted on the plus strand (TCTCC on the coding strand, the reverse complement: CXCR4 is on the minus strand); deleting any 5 consecutive bases within chr2:136,114,938-136,114,945 gives the same sequence; the c. name uses the placement nearest the transcript's 3' end. VCF-style (leftmost placement, unchanged base first): chr2-136114937-TGGAGA-T. GRCh37 (hg19) VCF-style: chr2-136872507-TGGAGA-T.
Other names: c.941_945del, p.Leu314fs (NM_001348060.2); c.998_1002del, p.Leu333fs (NM_001008540.2); c.1199_1203del, p.Leu400fs (NM_001348056.2); c.1085_1089del, p.Leu362fs (NM_001348059.2); short protein forms L314fs, L329fs, L333fs, L362fs, L400fs.
Identifiers: ClinVar variation 3902814 (VCV003902814.2).

ClinVar aggregate classification (germline): Pathogenic (1 of 4 stars; one submission).

Conditions:
WHIM syndrome 1 (WHIMS). Identifiers: Orphanet 51636, MedGen C5542296, MONDO:8000006, OMIM 193670.

Submission:

Research Department, X4 Pharmaceuticals (Austria) GmbH
Classification: Pathogenic for WHIM syndrome 1. Last evaluated: 2025-06-03. Review status: criteria provided, single submitter. Criteria: ACMG Guidelines, 2015. Collection method: curation, in vitro. Allele origin: germline, not applicable. Inheritance: Autosomal dominant inheritance. Affected: yes. Observed: 1 variant allele, 1 heterozygote. Functional consequence: gain_of_function_variant.
Comment: The p.Leu329Glnfs*13 frameshift variant has been observed in an individual with clinical features of WHIM syndrome (PMID: 27059040); the variant was observed to be de novo. Experimental studies have shown that this premature translational stop signal affects CXCR4 function (PMID: 27059040, 36089616). This variant is located in a region of the CXCR4 protein where a significant number of CXCR4 nonsense and frameshift mutations have been reported in association with autosomal dominant WHIM syndrome (PMID: 31313072, 32784523, 35947323, 39040098). This variant is not present in population databases (gnomAD no frequency).

Literature cited by the submitters: PubMed 27059040; PubMed 36089616.